The following is an entry in ClinVar:

NM_144997.7(FLCN):c.380G>T (p.Arg127Leu)

Gene: FLCN (folliculin; minus strand). Cytogenetic location: 17p11.2.
Variant type: single nucleotide variant.
Coding change: c.380G>T on transcript NM_144997.7 (MANE Select); coding-DNA position 380, G replaced by T.
Protein change: p.Arg127Leu; replaces arginine 127 with leucine.
Molecular consequence: missense variant.
Genome position (GRCh38, 1-based): chr17:17,226,192, C>A on the plus strand (G>T on the coding strand, the complement: FLCN is on the minus strand). VCF-style: chr17-17226192-C-A. GRCh37 (hg19) VCF-style: chr17-17129506-C-A.
Other names: c.380G>T, p.Arg127Leu (NM_001353229.2, NM_001353230.2, NM_001353231.2 and 1 more transcripts); short protein forms R127L.
Identifiers: ClinVar variation 4743522 (VCV004743522.1).

ClinVar aggregate classification (germline): Uncertain significance (1 of 4 stars; one submission).

Conditions:
Birt-Hogg-Dube syndrome. Also called: Birt Hogg Dubé syndrome. Identifiers: Orphanet 122, MedGen C0346010, MONDO:0800444.

Submission:

Labcorp Genetics (formerly Invitae), Labcorp
Classification: Uncertain significance for Birt-Hogg-Dube syndrome. Last evaluated: 2025-12-20. Review status: criteria provided, single submitter. Criteria: Invitae Variant Classification Sherloc (09022015). Collection method: clinical testing. Allele origin: germline.
Comment: This sequence change replaces arginine, which is basic and polar, with leucine, which is neutral and non-polar, at codon 127 of the FLCN protein (p.Arg127Leu). This variant is not present in population databases (gnomAD no frequency). This variant has not been reported in the literature in individuals affected with FLCN-related conditions. Invitae Evidence Modeling of protein sequence and biophysical properties (such as structural, functional, and spatial information, amino acid conservation, physicochemical variation, residue mobility, and thermodynamic stability) indicates that this missense variant is expected to disrupt FLCN protein function with a positive predictive value of 80%. In summary, the available evidence is currently insufficient to determine the role of this variant in disease. Therefore, it has been classified as a Variant of Uncertain Significance.